The following is an entry in ClinVar:

NM_007294.4(BRCA1):c.3224dup (p.Asn1075fs)

Genes: BRCA1 (BRCA1 DNA repair associated; minus strand), LOC126862571 (BRD4-independent group 4 enhancer GRCh37_chr17:41243136-41244335; plus strand). Cytogenetic location: 17q21.31.
Variant type: Duplication.
Coding change: c.3224dup on transcript NM_007294.4 (MANE Select); coding-DNA position 3224, one base duplicated (A; older notation c.3224dupA).
Protein change: p.Asn1075fs; shifts the reading frame from asparagine 1075.
Molecular consequence: frameshift variant. On other transcripts: intron variant (137).
Genome position (GRCh38, 1-based): chr17:43,092,307, T duplicated on the plus strand (A on the coding strand, the reverse complement: BRCA1 is on the minus strand); the first of 3 consecutive T bases (chr17:43,092,307-43,092,309); duplicating any one gives the same sequence. VCF-style (leftmost placement, unchanged base first): chr17-43092306-G-GT. GRCh37 (hg19) VCF-style: chr17-41244323-G-GT.
Other names: c.3011dup, p.Asn1004fs (NM_001407571.1, NM_001407915.1, NM_001407916.1 and 9 more transcripts); c.3224dup, p.Asn1075fs (NM_001407581.1, NM_001407582.1, NM_001407583.1 and 30 more transcripts); c.3221dup, p.Asn1074fs (NM_001407587.1, NM_001407590.1, NM_001407591.1 and 22 more transcripts); c.3215dup, p.Asn1072fs (NM_001407646.1, NM_001407647.1); c.3143dup, p.Asn1048fs (NM_001407660.1, NM_001407661.1, NM_001407662.1 and 1 more transcripts); c.3146dup, p.Asn1049fs (NM_001407663.1, NM_001407653.1, NM_001407654.1 and 4 more transcripts); c.3101dup, p.Asn1034fs (NM_001407664.1, NM_001407665.1, NM_001407666.1 and 19 more transcripts); c.3098dup, p.Asn1033fs (NM_001407685.1, NM_001407649.1, NM_001407670.1 and 11 more transcripts); and 41 more; short protein forms N1075fs, N1028fs, N1004fs, N1007fs, N1048fs, N1049fs, N947fs, N1033fs.
Identifiers: ClinVar variation 654295 (VCV000654295.2), dbSNP rs1597865013, ClinGen allele CA915950131.

ClinVar aggregate classification (germline): Pathogenic (1 of 4 stars; one submission).

Conditions:
Hereditary breast ovarian cancer syndrome. Also called: Hereditary breast and ovarian cancer; Hereditary breast and/or ovarian cancer syndrome; Breast and ovarian cancer; BRCA1- and BRCA2-Associated Hereditary Breast and Ovarian Cancer; Hereditary breast and ovarian cancer syndrome; Hereditary breast and ovarian cancer syndrome (HBOC). Identifiers: Orphanet 145, MedGen C0677776, MeSH D061325, MONDO:0003582. Disease mechanism: loss of function.

Submission:

Labcorp Genetics (formerly Invitae), Labcorp
Classification: Pathogenic for Hereditary breast and ovarian cancer syndrome. Last evaluated: 2019-01-03. Review status: criteria provided, single submitter. Criteria: Invitae Variant Classification Sherloc (09022015). Collection method: clinical testing. Allele origin: germline.
Comment: This sequence change creates a premature translational stop signal (p.Asn1075Lysfs*11) in the BRCA1 gene. It is expected to result in an absent or disrupted protein product. This variant is not present in population databases (ExAC no frequency). This variant has not been reported in the literature in individuals with BRCA1-related conditions. Loss-of-function variants in BRCA1 are known to be pathogenic (PMID: 20104584). For these reasons, this variant has been classified as Pathogenic.